The following is an entry in ClinVar:

ClinVar aggregate classification (germline): Uncertain significance. Review status: criteria provided, multiple submitters, no conflicts (2 of 4 stars). 3 submissions from 3 submitters: Uncertain significance (3). Last evaluated 2025-03-24.

Conditions:
Tuberous sclerosis 2 (TSC2). Identifiers: Orphanet 805, MedGen C1860707, MONDO:0013199, OMIM 613254.
Hereditary cancer-predisposing syndrome. Also called: Hereditary neoplastic syndrome; Hereditary Cancer Syndrome; Neoplastic Syndromes, Hereditary; Tumor predisposition. Identifiers: Orphanet 140162, MedGen C0027672, MeSH D009386, MONDO:0015356.
Tuberous sclerosis syndrome (TSC). Also called: Tuberous Sclerosis Complex; Tuberous sclerosis. Identifiers: Orphanet 805, MedGen C0041341, MONDO:0001734.

Allele frequency attached by ClinVar (database versions not stated): gnomAD exomes below 0.00001.
gnomAD v4.1: 1 of 1,612,722 alleles (0.000062%); highest among the groups gnomAD compares: South Asian, 0.0011%; no homozygotes.

Submissions (3):

Labcorp Genetics (formerly Invitae), Labcorp
Classification: Uncertain significance for Tuberous sclerosis 2. Last evaluated: 2025-03-24. Review status: criteria provided, single submitter. Criteria: Invitae Variant Classification Sherloc (09022015). Collection method: clinical testing. Allele origin: germline.
Comment: This sequence change replaces serine, which is neutral and polar, with leucine, which is neutral and non-polar, at codon 1524 of the TSC2 protein (p.Ser1524Leu). This variant is present in population databases (no rsID available, gnomAD 0.003%). This variant has not been reported in the literature in individuals affected with TSC2-related conditions. ClinVar contains an entry for this variant (Variation ID: 1371331). An algorithm developed to predict the effect of missense changes on protein structure and function outputs the following: PolyPhen-2: "Benign". The leucine amino acid residue is found in multiple mammalian species, which suggests that this missense change does not adversely affect protein function. In summary, the available evidence is currently insufficient to determine the role of this variant in disease. Therefore, it has been classified as a Variant of Uncertain Significance.

All of Us Research Program, National Institutes of Health
Classification: Uncertain significance for Tuberous sclerosis syndrome. Last evaluated: 2023-12-18. Review status: criteria provided, single submitter. Criteria: ACMG Guidelines, 2015. Collection method: clinical testing. Allele origin: germline. Inheritance: Autosomal dominant inheritance. Observed: 1 variant allele, 1 heterozygote.
Comment: This missense variant replaces serine with leucine at codon 1524 of the TSC2 protein. Computational prediction is inconclusive regarding the impact of this variant on protein structure and function (internally defined REVEL score threshold 0.5 < inconclusive < 0.7, PMID: 27666373). To our knowledge, functional studies have not been reported for this variant. This variant has not been reported in individuals affected with TSC2-related disorders in the literature. This variant has been identified in 1/249800 chromosomes in the general population by the Genome Aggregation Database (gnomAD). The available evidence is insufficient to determine the role of this variant in disease conclusively. Therefore, this variant is classified as a Variant of Uncertain Significance.

This study involves interpretation of variants in research participants for the purpose of population health screening. Participant phenotype was not available at the time of variant classification. Additional details can be found in publication PMID: 35346344, PMCID: PMC8962531

Ambry Genetics
Classification: Uncertain significance for Hereditary cancer-predisposing syndrome. Last evaluated: 2022-05-13. Review status: criteria provided, single submitter. Criteria: Ambry Variant Classification Scheme 2023. Collection method: clinical testing. Allele origin: germline.
Comment: The p.S1524L variant (also known as c.4571C>T), located in coding exon 35 of the TSC2 gene, results from a C to T substitution at nucleotide position 4571. The serine at codon 1524 is replaced by leucine, an amino acid with dissimilar properties. This amino acid position is conserved. In addition, the in silico prediction for this alteration is inconclusive. Since supporting evidence is limited at this time, the clinical significance of this alteration remains unclear.

NM_000548.5(TSC2):c.4571C>T (p.Ser1524Leu)

Gene: TSC2 (TSC complex subunit 2; plus strand). Cytogenetic location: 16p13.3.
Variant type: single nucleotide variant.
Coding change: c.4571C>T on transcript NM_000548.5 (MANE Select); coding-DNA position 4571, C replaced by T.
Protein change: p.Ser1524Leu; replaces serine 1524 with leucine.
Molecular consequence: missense variant.
Genome position (GRCh38, 1-based): chr16:2,085,231, C>T. VCF-style: chr16-2085231-C-T. GRCh37 (hg19) VCF-style: chr16-2135232-C-T.
Other names: c.4370C>T, p.Ser1457Leu (NM_001077183.3); c.4502C>T, p.Ser1501Leu (NM_001114382.3); c.4262C>T, p.Ser1421Leu (NM_001318827.2); c.4226C>T, p.Ser1409Leu (NM_001318829.2); c.3839C>T, p.Ser1280Leu (NM_001318831.2); c.4403C>T, p.Ser1468Leu (NM_001318832.2); c.4373C>T, p.Ser1458Leu (NM_001363528.2); c.4439C>T, p.Ser1480Leu (NM_001370404.1); and 1 more; short protein forms S1468L, S1501L, S1524L, S1409L, S1421L, S1480L, S1481L, S1280L.
Identifiers: ClinVar variation 1371331 (VCV001371331.11), dbSNP rs1441428144, ClinGen allele CA394304310.